The following is an entry in ClinVar:

ClinVar aggregate classification (germline): Uncertain significance. Review status: criteria provided, multiple submitters, no conflicts (2 of 4 stars). 3 submissions from 3 submitters: Uncertain significance (3). Last evaluated 2025-12-02.

Conditions:
Inborn genetic diseases. Identifiers: MedGen C0950123, MeSH D030342.

Allele frequency attached by ClinVar (database versions not stated): gnomAD 0.00001; TOPMed 0.00001; ESP Exome Variant Server 0.00008.
gnomAD v4.1: 8 of 1,614,054 alleles (0.0005%); highest among the groups gnomAD compares: Non-Finnish European, 0.00068%; no homozygotes.

Submissions (3):

Labcorp Genetics (formerly Invitae), Labcorp
Classification: Uncertain significance. Last evaluated: 2025-12-02. Review status: criteria provided, single submitter. Criteria: Invitae Variant Classification Sherloc (09022015). Collection method: clinical testing. Allele origin: germline.
Comment: This sequence change replaces aspartic acid, which is acidic and polar, with glutamic acid, which is acidic and polar, at codon 463 of the KCNQ5 protein (p.Asp463Glu). This variant is present in population databases (rs377437433, gnomAD 0.0009%). This variant has not been reported in the literature in individuals affected with KCNQ5-related conditions. ClinVar contains an entry for this variant (Variation ID: 2529194). Invitae Evidence Modeling of protein sequence and biophysical properties (such as structural, functional, and spatial information, amino acid conservation, physicochemical variation, residue mobility, and thermodynamic stability) indicates that this missense variant is not expected to disrupt KCNQ5 protein function with a negative predictive value of 80%. In summary, the available evidence is currently insufficient to determine the role of this variant in disease. Therefore, it has been classified as a Variant of Uncertain Significance.

Blueprint Genetics
Classification: Uncertain significance. Last evaluated: 2024-05-28. Review status: criteria provided, single submitter. Criteria: ACMG Guidelines, 2015. Collection method: clinical testing. Allele origin: germline.

Ambry Genetics
Classification: Uncertain significance for Inborn genetic diseases. Last evaluated: 2023-03-24. Review status: criteria provided, single submitter. Criteria: Ambry Variant Classification Scheme 2023. Collection method: clinical testing. Allele origin: germline.

NM_019842.4(KCNQ5):c.1332C>G (p.Asp444Glu)

Gene: KCNQ5 (potassium voltage-gated channel subfamily Q member 5; plus strand). Cytogenetic location: 6q13.
Variant type: single nucleotide variant.
Coding change: c.1332C>G on transcript NM_019842.4 (MANE Select); coding-DNA position 1332, C replaced by G.
Protein change: p.Asp444Glu; replaces aspartic acid 444 with glutamic acid.
Molecular consequence: missense variant. On other transcripts: intron variant (1).
Genome position (GRCh38, 1-based): chr6:73,133,505, C>G. VCF-style: chr6-73133505-C-G. GRCh37 (hg19) VCF-style: chr6-73843228-C-G.
Other names: c.1305C>G, p.Asp435Glu (NM_001160130.2); c.1362C>G, p.Asp454Glu (NM_001160132.2); c.1389C>G, p.Asp463Glu (NM_001160133.2); c.1247+8993C>G (NM_001160134.2); short protein forms D435E, D454E, D463E, D444E.
Identifiers: ClinVar variation 2529194 (VCV002529194.6), dbSNP rs377437433, ClinGen allele CA3887027.